The following is an entry in ClinVar:

ClinVar aggregate classification (germline): Conflicting classifications of pathogenicity. Review status: criteria provided, conflicting classifications (1 of 4 stars). 5 submissions from 5 submitters: Uncertain significance (3); Likely benign (2). Last evaluated 2025-10-06.

Conditions:
Hereditary breast ovarian cancer syndrome. Also called: Hereditary breast and ovarian cancer; Hereditary breast and/or ovarian cancer syndrome; BRCA1- and BRCA2-Associated Hereditary Breast and Ovarian Cancer; Hereditary breast and ovarian cancer syndrome; Hereditary breast and ovarian cancer syndrome (HBOC); Breast and ovarian cancer. Identifiers: Orphanet 145, MedGen C0677776, MeSH D061325, MONDO:0003582. Disease mechanism: loss of function.
Hereditary cancer-predisposing syndrome. Also called: Tumor predisposition; Hereditary Cancer Syndrome; Hereditary neoplastic syndrome; Neoplastic Syndromes, Hereditary. Identifiers: Orphanet 140162, MedGen C0027672, MeSH D009386, MONDO:0015356.

Allele frequency attached by ClinVar (database versions not stated): gnomAD exomes below 0.00001.
gnomAD v4.1: 1 of 1,614,162 alleles (0.000062%); highest among the groups gnomAD compares: Non-Finnish European, 0.000085%; no homozygotes.

Submissions (5):

Labcorp Genetics (formerly Invitae), Labcorp
Classification: Uncertain significance for Hereditary breast ovarian cancer syndrome. Last evaluated: 2025-10-06. Review status: criteria provided, single submitter. Criteria: Invitae Variant Classification Sherloc (09022015). Collection method: clinical testing. Allele origin: germline.
Comment: This sequence change replaces serine, which is neutral and polar, with asparagine, which is neutral and polar, at codon 1245 of the BRCA1 protein (p.Ser1245Asn). This variant is not present in population databases (gnomAD no frequency). This variant has not been reported in the literature in individuals affected with BRCA1-related conditions. ClinVar contains an entry for this variant (Variation ID: 409344). Invitae Evidence Modeling of protein sequence and biophysical properties (such as structural, functional, and spatial information, amino acid conservation, physicochemical variation, residue mobility, and thermodynamic stability) indicates that this missense variant is not expected to disrupt BRCA1 protein function with a negative predictive value of 80%. In summary, the available evidence is currently insufficient to determine the role of this variant in disease. Therefore, it has been classified as a Variant of Uncertain Significance.

University of Washington Department of Laboratory Medicine, University of Washington
Classification: Likely benign for Hereditary cancer-predisposing syndrome. Last evaluated: 2023-03-23. Review status: criteria provided, single submitter. Criteria: Dines et al. (Genet Med. 2020). Collection method: curation. Allele origin: germline.
Comment: Missense variant in a coldspot region where missense variants are very unlikely to be pathogenic (PMID:31911673).

BRCA1 coldspot (exon 11 using historical exon numbering). Reclassification based on statistical prior probability

GeneDx
Classification: Uncertain significance. Last evaluated: 2022-12-27. Review status: criteria provided, single submitter. Criteria: GeneDx Variant Classification Process June 2021. Collection method: clinical testing. Allele origin: germline. Affected: yes.
Comment: Not observed at significant frequency in large population cohorts (gnomAD); In silico analysis supports that this missense variant does not alter protein structure/function; Has not been previously published as a pathogenic or benign germline variant to our knowledge; Also known as 3853G>A; This variant is associated with the following publications: (PMID: 27397505, 32377563, 31911673)

Ambry Genetics
Classification: Likely benign for Hereditary cancer-predisposing syndrome. Last evaluated: 2021-05-26. Review status: criteria provided, single submitter. Criteria: Ambry Variant Classification Scheme 2023. Collection method: clinical testing. Allele origin: germline.

Color Diagnostics, LLC DBA Color Health
Classification: Uncertain significance for Hereditary cancer-predisposing syndrome. Last evaluated: 2020-05-26. Review status: criteria provided, single submitter. Criteria: ACMG Guidelines, 2015. Collection method: clinical testing. Allele origin: germline.
Comment: This missense variant replaces serine with asparagine at codon 1245 of the BRCA1 protein. Computational prediction suggests that this variant may not impact protein structure and function (internally defined REVEL score threshold <= 0.5, PMID: 27666373). To our knowledge, functional studies have not been reported for this variant. This variant has not been reported in individuals affected with hereditary cancer in the literature. This variant has not been identified in the general population by the Genome Aggregation Database (gnomAD). The available evidence is insufficient to determine the role of this variant in disease conclusively. Therefore, this variant is classified as a Variant of Uncertain Significance.

NM_007294.4(BRCA1):c.3734G>A (p.Ser1245Asn)

Genes: BRCA1 (BRCA1 DNA repair associated; minus strand), LOC126862571 (BRD4-independent group 4 enhancer GRCh37_chr17:41243136-41244335; plus strand). Cytogenetic location: 17q21.31.
Variant type: single nucleotide variant.
Coding change: c.3734G>A on transcript NM_007294.4 (MANE Select); coding-DNA position 3734, G replaced by A.
Protein change: p.Ser1245Asn; replaces serine 1245 with asparagine.
Molecular consequence: missense variant. On other transcripts: intron variant (135).
Genome position (GRCh38, 1-based): chr17:43,091,797, C>T on the plus strand (G>A on the coding strand, the complement: BRCA1 is on the minus strand). VCF-style: chr17-43091797-C-T. GRCh37 (hg19) VCF-style: chr17-41243814-C-T.
Other names: c.3608G>A, p.Ser1203Asn (NM_001407685.1, NM_001407690.1, NM_001407686.1 and 11 more transcripts); c.647-765G>A (NM_001408452.1, NM_001408457.1, NM_001408458.1 and 11 more transcripts); c.662-765G>A (NM_001408448.1, NM_001408446.1, NM_001408435.1 and 6 more transcripts); c.668-765G>A (NM_001408421.1, NM_001408431.1, NM_001408424.1); c.524-765G>A (NM_001408497.1, NM_001408498.1, NM_001408501.1 and 3 more transcripts); c.461-765G>A (NM_001408507.1, NM_001408506.1); c.545-765G>A (NM_001408495.1); c.785-765G>A (NM_001407991.1, NM_001408397.1, NM_001408401.1 and 13 more transcripts); and 41 more; short protein forms S1245N, S1198N, S1133N, S1219N, S949N, S1118N, S1134N, S1157N.
Identifiers: ClinVar variation 409344 (VCV000409344.25), dbSNP rs1060502348, ClinGen allele CA10594499.